The following is an entry in ClinVar:

ClinVar aggregate classification (germline): Uncertain significance (1 of 4 stars; one submission).

Conditions:
Emery-Dreifuss muscular dystrophy 4, autosomal dominant (EDMD4). Also called: EMERY-DREIFUSS MUSCULAR DYSTROPHY 4 WITH VARIABLE FEATURES. Identifiers: Orphanet 261, MedGen C2751807, MONDO:0013071, OMIM 612998.
Autosomal recessive ataxia, Beauce type. Also called: SYNE1 Deficiency; Spinocerebellar ataxia, autosomal recessive 8; ATAXIA, RECESSIVE, OF BEAUCE; SYNE1-Related Autosomal Recessive Cerebellar Ataxia. Identifiers: Orphanet 88644, MedGen C1853116, MONDO:0012549, OMIM 610743.

Submission:

Labcorp Genetics (formerly Invitae), Labcorp
Classification: Uncertain significance for Emery-Dreifuss muscular dystrophy 4, autosomal dominant; Autosomal recessive ataxia, Beauce type. Last evaluated: 2022-04-04. Review status: criteria provided, single submitter. Criteria: Invitae Variant Classification Sherloc (09022015). Collection method: clinical testing. Allele origin: germline.
Comment: In summary, the available evidence is currently insufficient to determine the role of this variant in disease. Therefore, it has been classified as a Variant of Uncertain Significance. Algorithms developed to predict the effect of missense changes on protein structure and function are either unavailable or do not agree on the potential impact of this missense change (SIFT: "Deleterious"; PolyPhen-2: "Possibly Damaging"; Align-GVGD: "Class C0"). This sequence change replaces alanine, which is neutral and non-polar, with threonine, which is neutral and polar, at codon 8227 of the SYNE1 protein (p.Ala8227Thr). This variant is not present in population databases (gnomAD no frequency). This variant has not been reported in the literature in individuals affected with SYNE1-related conditions.

NM_182961.4(SYNE1):c.24892G>A (p.Ala8298Thr)

Gene: SYNE1 (spectrin repeat containing nuclear envelope protein 1; minus strand). Cytogenetic location: 6q25.2.
Variant type: single nucleotide variant.
Coding change: c.24892G>A on transcript NM_182961.4 (MANE Select); coding-DNA position 24892, G replaced by A.
Protein change: p.Ala8298Thr; replaces alanine 8298 with threonine.
Molecular consequence: missense variant.
Genome position (GRCh38, 1-based): chr6:152,148,129, C>T on the plus strand (G>A on the coding strand, the complement: SYNE1 is on the minus strand). VCF-style: chr6-152148129-C-T. GRCh37 (hg19) VCF-style: chr6-152469264-C-T.
Other names: c.1498G>A, p.Ala500Thr (NM_001347701.2); c.1357G>A, p.Ala453Thr (NM_001347702.2); c.24679G>A, p.Ala8227Thr (NM_033071.5); short protein forms A500T, A8227T, A453T, A8298T.
Identifiers: ClinVar variation 2121321 (VCV002121321.4), dbSNP rs2549950359, ClinGen allele CA366085048.